The following is an entry in ClinVar:

NM_000038.6(APC):c.4045C>G (p.His1349Asp)

Gene: APC (APC regulator of Wnt signaling pathway; plus strand). Cytogenetic location: 5q22.2.
Variant type: single nucleotide variant.
Coding change: c.4045C>G on transcript NM_000038.6 (MANE Select); coding-DNA position 4045, C replaced by G.
Protein change: p.His1349Asp; replaces histidine 1349 with aspartic acid.
Molecular consequence: missense variant.
Genome position (GRCh38, 1-based): chr5:112,839,639, C>G. VCF-style: chr5-112839639-C-G. GRCh37 (hg19) VCF-style: chr5-112175336-C-G.
Other names: c.3667C>G, p.His1223Asp (NM_001354904.2); c.3565C>G, p.His1189Asp (NM_001354905.2); c.3196C>G, p.His1066Asp (NM_001354906.2); c.4045C>G, p.His1349Asp (NM_001127510.3, NM_001354895.2); c.3991C>G, p.His1331Asp (NM_001127511.3); c.4099C>G, p.His1367Asp (NM_001354896.2); c.4075C>G, p.His1359Asp (NM_001354897.2); c.3970C>G, p.His1324Asp (NM_001354898.2); and 5 more; short protein forms H1248D, H1308D, H1359D, H1367D, H1189D, H1223D, H1290D, H1331D.
Identifiers: ClinVar variation 824535 (VCV000824535.5), dbSNP rs1580643284, ClinGen allele CA16030196.

ClinVar aggregate classification (germline): Uncertain significance. Review status: criteria provided, multiple submitters, no conflicts (2 of 4 stars). 2 submissions from 2 submitters: Uncertain significance (2). Last evaluated 2024-02-21.

Conditions:
Desmoid disease, hereditary (DESMD). Also called: FIBROMATOSIS, FAMILIAL INFILTRATIVE. Identifiers: Orphanet 873, MedGen C1851124, OMIM 135290. Disease mechanism: loss of function.
Hereditary cancer-predisposing syndrome. Also called: Neoplastic Syndromes, Hereditary; Tumor predisposition; Hereditary neoplastic syndrome; Hereditary Cancer Syndrome. Identifiers: Orphanet 140162, MedGen C0027672, MeSH D009386, MONDO:0015356.

Submissions (2):

Department of Pathology and Laboratory Medicine, Sinai Health System
Classification: Uncertain significance for Desmoid disease, hereditary. Last evaluated: 2024-02-21. Review status: criteria provided, single submitter. Criteria: ACMG Guidelines, 2015. Collection method: clinical testing. Allele origin: germline. Affected: yes.

Ambry Genetics
Classification: Uncertain significance for Hereditary cancer-predisposing syndrome. Last evaluated: 2019-12-23. Review status: criteria provided, single submitter. Criteria: Ambry Variant Classification Scheme 2023. Collection method: clinical testing. Allele origin: germline.
Comment: The p.H1349D variant (also known as c.4045C>G), located in coding exon 15 of the APC gene, results from a C to G substitution at nucleotide position 4045. The histidine at codon 1349 is replaced by aspartic acid, an amino acid with similar properties. This amino acid position is well conserved in available vertebrate species. In addition, in silico predictors for this gene do not accurately predict pathogenicity. Since supporting evidence is limited at this time, the clinical significance of this alteration remains unclear.